The following is an entry in ClinVar:

NM_021076.4(NEFH):c.1403A>C (p.Glu468Ala)

Gene: NEFH (neurofilament heavy chain; plus strand). Cytogenetic location: 22q12.2.
Variant type: single nucleotide variant.
Coding change: c.1403A>C on transcript NM_021076.4 (MANE Select); coding-DNA position 1403, A replaced by C.
Protein change: p.Glu468Ala; replaces glutamic acid 468 with alanine.
Molecular consequence: missense variant.
Genome position (GRCh38, 1-based): chr22:29,489,043, A>C. VCF-style: chr22-29489043-A-C. GRCh37 (hg19) VCF-style: chr22-29885032-A-C.
Other names: short protein forms E468A.
Identifiers: ClinVar variation 1486383 (VCV001486383.6), dbSNP rs2146399335, ClinGen allele CA411129800.

ClinVar aggregate classification (germline): Uncertain significance (1 of 4 stars; one submission).

Submission:

Labcorp Genetics (formerly Invitae), Labcorp
Classification: Uncertain significance. Last evaluated: 2022-07-19. Review status: criteria provided, single submitter. Criteria: Invitae Variant Classification Sherloc (09022015). Collection method: clinical testing. Allele origin: germline.
Comment: This sequence change replaces glutamic acid, which is acidic and polar, with alanine, which is neutral and non-polar, at codon 468 of the NEFH protein (p.Glu468Ala). This variant is not present in population databases (gnomAD no frequency). This variant has not been reported in the literature in individuals affected with NEFH-related conditions. ClinVar contains an entry for this variant (Variation ID: 1486383). Advanced modeling of protein sequence and biophysical properties (such as structural, functional, and spatial information, amino acid conservation, physicochemical variation, residue mobility, and thermodynamic stability) performed at Invitae indicates that this missense variant is not expected to disrupt NEFH protein function. In summary, the available evidence is currently insufficient to determine the role of this variant in disease. Therefore, it has been classified as a Variant of Uncertain Significance.